The following is an entry in ClinVar:

NM_000255.4(MMUT):c.914T>C (p.Leu305Ser)

Gene: MMUT (methylmalonyl-CoA mutase; minus strand). Cytogenetic location: 6p12.3.
Variant type: single nucleotide variant.
Coding change: c.914T>C on transcript NM_000255.4 (MANE Select); coding-DNA position 914, T replaced by C.
Protein change: p.Leu305Ser; replaces leucine 305 with serine.
Molecular consequence: missense variant.
Genome position (GRCh38, 1-based): chr6:49,453,754, A>G on the plus strand (T>C on the coding strand, the complement: MMUT is on the minus strand). VCF-style: chr6-49453754-A-G. GRCh37 (hg19) VCF-style: chr6-49421467-A-G.
Other names: short protein forms L305S.
Identifiers: ClinVar variation 556865 (VCV000556865.15), dbSNP rs1554160246, ClinGen allele CA364401084.

ClinVar aggregate classification (germline): Pathogenic. Review status: criteria provided, multiple submitters, no conflicts (2 of 4 stars). 5 submissions from 5 submitters: Pathogenic (4). 1 of the submissions does not count toward it. Last evaluated 2024-12-26.

Conditions:
Methylmalonic acidemia (MMA). Also called: Isolated Methylmalonic Acidemia. Identifiers: MedGen C0268583, MeSH C537358, MONDO:0002012, HP:0002912.
Methylmalonic aciduria due to complete methylmalonyl-CoA mutase deficiency.
Methylmalonic aciduria due to methylmalonyl-CoA mutase deficiency (MAMM). Also called: Methylmalonic aciduria, mut type. Identifiers: Orphanet 27, MedGen C1855114, MONDO:0009612, OMIM 251000.

Allele frequency attached by ClinVar (database versions not stated): gnomAD exomes below 0.00001; TOPMed below 0.00001; gnomAD 0.00001.
gnomAD v4.1: 3 of 1,611,420 alleles (0.00019%); highest among the groups gnomAD compares: East Asian, 0.0045%; no homozygotes.

Submissions (5):

Natera, Inc.
Classification: Pathogenic for Methylmalonic aciduria due to complete methylmalonyl-CoA mutase deficiency. Last evaluated: 2024-12-26. Review status: criteria provided, single submitter. Criteria: Natera Variant Classification Schema (03/2026). Collection method: clinical testing. Allele origin: germline.
Comment: The c.914T>C variant in MMUT is a missense variant predicted to cause substitution of leucine to serine at amino acid 305. This variant is rare in the general population with a frequency below the threshold expected for the associated phenotype(s). This variant has been observed in one or more individuals affected with the associated recessive disease, as either homozygous or compound heterozygous with a second variant (PMID: 31466887, 27167370, 22727635). Computational prediction algorithms indicate this variant is likely to affect gene or protein function. Given the available evidence, this variant is classified as Pathogenic.

Women's Health and Genetics/Laboratory Corporation of America, LabCorp
Classification: Pathogenic for Methylmalonic acidemia. Last evaluated: 2024-04-26. Review status: criteria provided, single submitter. Criteria: LabCorp Variant Classification Summary - May 2015. Collection method: clinical testing. Allele origin: germline.
Comment: Variant summary: MUT c.914T>C (p.Leu305Ser) results in a non-conservative amino acid change located in the methylmalonyl-CoA mutase, alpha chain, catalytic domain (IPR006098) of the encoded protein sequence. Five of five in-silico tools predict a damaging effect of the variant on protein function. Consensus agreement among computation tools predict no significant impact on normal splicing. The variant was absent in 250700 control chromosomes. c.914T>C has been reported in the literature in multiple individuals affected with Methylmalonic Acidemia in the compound heterozygous and homozygous states (e.g. Dundar_2012, Kang_2020, Worgan_2006, Forny_2016). These data indicate that the variant is very likely to be associated with disease. The following publications have been ascertained in the context of this evaluation (PMID: 22727635, 27167370, 31622506, 16281286). ClinVar contains an entry for this variant (Variation ID: 556865). Based on the evidence outlined above, the variant was classified as pathogenic.

Labcorp Genetics (formerly Invitae), Labcorp
Classification: Pathogenic. Last evaluated: 2024-02-09. Review status: criteria provided, single submitter. Criteria: Invitae Variant Classification Sherloc (09022015). Collection method: clinical testing. Allele origin: germline.
Comment: This sequence change replaces leucine, which is neutral and non-polar, with serine, which is neutral and polar, at codon 305 of the MUT protein (p.Leu305Ser). This variant is not present in population databases (gnomAD no frequency). This missense change has been observed in individual(s) with methylmalonic academia (PMID: 16281286, 22727635, 27167370, 29896740). In at least one individual the data is consistent with being in trans (on the opposite chromosome) from a pathogenic variant. ClinVar contains an entry for this variant (Variation ID: 556865). An algorithm developed to predict the effect of missense changes on protein structure and function (PolyPhen-2) suggests that this variant is likely to be disruptive. For these reasons, this variant has been classified as Pathogenic.

Juno Genomics, Hangzhou Juno Genomics, Inc
Classification: Pathogenic for Methylmalonic aciduria due to methylmalonyl-CoA mutase deficiency. Review status: criteria provided, single submitter. Criteria: ACMG Guidelines, 2015. Collection method: clinical testing. Allele origin: germline.
Comment: Absent from controls (or at extremely low frequency if recessive) in Genome Aggregation Database.;Multiple lines of computational evidence support a deleterious effect on the gene or gene product.;For recessive disorders, detected in trans with a pathogenic variant.;Patient's phenotype or family history is highly specific for a disease with a single genetic etiology.

Counsyl
Classification: Likely pathogenic for Methylmalonic aciduria due to methylmalonyl-CoA mutase deficiency. Last evaluated: 2018-02-21. Review status: no assertion criteria provided. Collection method: clinical testing. Allele origin: unknown. Not counted in ClinVar's aggregate classification.

Literature cited by the submitters: PubMed 31466887 (cited by Natera, Inc.); PubMed 27167370 (cited by 4 submitters); PubMed 22727635 (cited by 4 submitters); PubMed 16281286 (cited by 3 submitters); PubMed 31622506 (cited by Women's Health and Genetics/Laboratory Corporation of America, LabCorp); PubMed 29896740 (cited by Labcorp Genetics (formerly Invitae), Labcorp); PubMed 23430940 (cited by Counsyl).